The following is an entry in ClinVar:

NM_000222.3(KIT):c.1666C>T (p.Gln556Ter)

Gene: KIT (KIT proto-oncogene, receptor tyrosine kinase; plus strand). Cytogenetic location: 4q12.
Variant type: single nucleotide variant.
Coding change: c.1666C>T on transcript NM_000222.3 (MANE Select); coding-DNA position 1666, C replaced by T.
Protein change: p.Gln556Ter; replaces glutamine 556 with a stop codon.
Molecular consequence: nonsense.
Genome position (GRCh38, 1-based): chr4:54,727,434, C>T. VCF-style: chr4-54727434-C-T. GRCh37 (hg19) VCF-style: chr4-55593600-C-T.
Other names: c.1654C>T, p.Gln552Ter (NM_001093772.2, NM_001385286.1); c.1669C>T, p.Gln557Ter (NM_001385284.1, NM_001385290.1); c.1666C>T, p.Gln556Ter (NM_001385285.1); c.1657C>T, p.Gln553Ter (NM_001385288.1, NM_001385292.1); short protein forms Q556*, Q552*, Q553*, Q557*.
Identifiers: ClinVar variation 1451608 (VCV001451608.6), dbSNP rs1722301014, ClinGen allele CA356907457.

ClinVar aggregate classification (germline): Pathogenic (1 of 4 stars; one submission).

Conditions:
Gastrointestinal stromal tumor. Also called: Gastrointestinal stroma tumor; Gastrointestinal stromal tumor, somatic. Identifiers: Orphanet 44890, MedGen C0238198, MeSH D046152, MONDO:0011719, OMIM 606764, HP:0100723.

Submission:

Labcorp Genetics (formerly Invitae), Labcorp
Classification: Pathogenic for Gastrointestinal stromal tumor. Last evaluated: 2022-02-20. Review status: criteria provided, single submitter. Criteria: Invitae Variant Classification Sherloc (09022015). Collection method: clinical testing. Allele origin: germline.
Comment: For these reasons, this variant has been classified as Pathogenic. This variant has not been reported in the literature in individuals affected with KIT-related conditions. This variant is not present in population databases (gnomAD no frequency). This sequence change creates a premature translational stop signal (p.Gln556*) in the KIT gene. It is expected to result in an absent or disrupted protein product. Loss-of-function variants in KIT are known to be pathogenic (PMID: 15194144).

Literature cited by the submitters: PubMed 15194144.